The following is an entry in ClinVar:

ClinVar aggregate classification (germline): Uncertain significance. Review status: criteria provided, multiple submitters, no conflicts (2 of 4 stars). 4 submissions from 4 submitters: Uncertain significance (3). 1 of the submissions does not count toward it. Last evaluated 2026-01-11.

Conditions:
Pulmonary fibrosis and/or bone marrow failure, Telomere-related, 2. Also called: PULMONARY FIBROSIS AND/OR BONE MARROW FAILURE SYNDROME, TELOMERE-RELATED, 2. Identifiers: Orphanet 88, MedGen C3553622, MONDO:0013879, OMIM 614743.
Dyskeratosis congenita, autosomal dominant 1 (DKCA1). Also called: Dyskeratosis congenita Scoggins type. Identifiers: Orphanet 1775, MedGen C4551974, MONDO:0007485, OMIM 127550. Inheritance: Variable.

Allele frequency attached by ClinVar (database versions not stated): ExAC 0.00003; gnomAD 0.00001; gnomAD exomes 0.00002.
gnomAD v4.1: 11 of 765,134 alleles (0.0014%); highest among the groups gnomAD compares: Non-Finnish European, 0.0019%; no homozygotes.

Submissions (4):

Labcorp Genetics (formerly Invitae), Labcorp
Classification: Uncertain significance for Dyskeratosis congenita, autosomal dominant 1. Last evaluated: 2026-01-11. Review status: criteria provided, single submitter. Criteria: Invitae Variant Classification Sherloc (09022015). Collection method: clinical testing. Allele origin: germline.
Comment: This variant occurs in the TERC gene, which encodes an RNA molecule that does not result in a protein product. This variant is present in population databases (rs199422260, gnomAD 0.004%). This variant has been observed in individual(s) with hypoplastic myelodysplastic syndrome and dyskeratosis congenita (PMID: 18931339, 27622320). ClinVar contains an entry for this variant (Variation ID: 39292). Algorithms developed to predict the effect of variants on gene product structure and function are not available or were not evaluated for this variant. Experimental studies have shown that this variant affects TERC function (PMID: 18931339). This variant is located within the template/pseudoknot domain of the TERC RNA component, which is required for RNA or RNP stability (PMID: 15082312, 21844345). This variant is located in a region of TERC in which a significant number of disease causing variants have been reported (PMID: 15082312, 21844345, 21931702). These observations suggest that this may be a clinically significant region. In summary, the available evidence is currently insufficient to determine the role of this variant in disease. Therefore, it has been classified as a Variant of Uncertain Significance.

Women's Health and Genetics/Laboratory Corporation of America, LabCorp
Classification: Uncertain significance. Last evaluated: 2024-05-20. Review status: criteria provided, single submitter. Criteria: LabCorp Variant Classification Summary - May 2015. Collection method: clinical testing. Allele origin: germline.
Comment: Variant summary: TERC n.35C>T alters a nucleotide in the non-coding RNA. The variant allele was found at a frequency of 2.2e-05 in 230684 control chromosomes. The available data on variant occurrences in the general population are insufficient to allow any conclusion about variant significance. n.35C>T has been reported in the literature in individuals affected with hypoplastic myelodysplastic syndrome and dyskeratosis congenita. These reports do not provide unequivocal conclusions about association of the variant with TERC-Related Disorders. One in vitro reconstitution assays using WI-38 VA-13 cells revealed that this variant resulted in a 76% reduction in telomerase activity. ClinVar contains an entry for this variant (Variation ID: 39292). Based on the evidence outlined above, the variant was classified as uncertain significance.

Fulgent Genetics
Classification: Uncertain significance for Dyskeratosis congenita, autosomal dominant 1; Pulmonary fibrosis and/or bone marrow failure, Telomere-related, 2. Last evaluated: 2021-12-15. Review status: criteria provided, single submitter. Criteria: ACMG Guidelines, 2015. Collection method: clinical testing. Allele origin: unknown.

GeneReviews
Classification: Pathogenic for Dyskeratosis Congenita. Last evaluated: 2012-05-10. Review status: no assertion criteria provided. Collection method: curation. Allele origin: unknown. Not counted in ClinVar's aggregate classification.
ClinVar note: Converted during submission from pathologic to Pathogenic.

Literature cited by the submitters: PubMed 18931339 (cited by Labcorp Genetics (formerly Invitae), Labcorp and Women's Health and Genetics/Laboratory Corporation of America, LabCorp); PubMed 27622320 (cited by Labcorp Genetics (formerly Invitae), Labcorp and Women's Health and Genetics/Laboratory Corporation of America, LabCorp); PubMed 15082312 (cited by Labcorp Genetics (formerly Invitae), Labcorp); PubMed 21844345 (cited by Labcorp Genetics (formerly Invitae), Labcorp); PubMed 21931702 (cited by Labcorp Genetics (formerly Invitae), Labcorp).

NR_001566.3(TERC):n.35C>T

Genes: TERC (telomerase RNA component; minus strand), LOC110806306 (telomerase RNA component (TERC) promoter; plus strand). Cytogenetic location: 3q26.2.
Variant type: single nucleotide variant.
Genome position: GRCh38 VCF-style: chr3-169765026-G-A. GRCh37 (hg19) VCF-style: chr3-169482814-G-A.
Other names: NR_001566.1:r.35c>u.
Identifiers: ClinVar variation 39292 (VCV000039292.14), dbSNP rs199422260, ClinGen allele CA343764.